The following is an entry in ClinVar:

NM_000540.3(RYR1):c.9652G>A (p.Val3218Met)

Gene: RYR1 (ryanodine receptor 1; plus strand). Cytogenetic location: 19q13.2.
Variant type: single nucleotide variant.
Coding change: c.9652G>A on transcript NM_000540.3 (MANE Select); coding-DNA position 9652, G replaced by A.
Protein change: p.Val3218Met; replaces valine 3218 with methionine.
Molecular consequence: missense variant.
Genome position (GRCh38, 1-based): chr19:38,516,184, G>A. VCF-style: chr19-38516184-G-A. GRCh37 (hg19) VCF-style: chr19-39006824-G-A.
Other names: NM_000540.3(RYR1):c.9652G>A; p.(Val3218Met); NM_001042723.2:c.9652G>A; c.9652G>A (NM_000540.2); c.9652G>A, p.Val3218Met (NM_001042723.2); short protein forms V3218M.
Identifiers: ClinVar variation 1010267 (VCV001010267.14), dbSNP rs553055844, ClinGen allele CA073935.

ClinVar aggregate classification (germline): Uncertain significance. Review status: reviewed by expert panel (3 of 4 stars). 4 submissions from 4 submitters: Uncertain significance (1). 3 of the submissions do not count toward it. Last evaluated 2025-08-01.

Conditions:
RYR1-related disorder. Also called: RYR1-related disorders; RYR1-related condition. Identifiers: MedGen CN239331.
Malignant hyperthermia, susceptibility to, 1 (MHS1). Also called: Malignant hyperthermia suceptibility 1; RYR1-Related Malignant Hyperthermia Susceptibility; Anesthesia related hyperthermia; Malignant hyperpyrexia; Fulminating hyperpyrexia; Pharmacogenic myopathy. Identifiers: Orphanet 423, MedGen C2930980, MONDO:0007783, OMIM 145600.
Malignant hyperthermia of anesthesia. Also called: Anesthesic-triggered malignant hyperthermia. Identifiers: Orphanet 423, MedGen C0024591, MONDO:0018493, HP:0034733.

Allele frequency attached by ClinVar (database versions not stated): gnomAD 0.00001; TOPMed 0.00002; ExAC 0.00005.
gnomAD v4.1: 23 of 1,573,892 alleles (0.0015%); highest among the groups gnomAD compares: South Asian, 0.0023%; no homozygotes.

Submissions (4):

ClinGen Malignant Hyperthermia Susceptibility Variant Curation Expert Panel, ClinGen
Classification: Uncertain significance for Malignant hyperthermia of anesthesia. Last evaluated: 2025-08-01. Review status: reviewed by expert panel. Criteria: ClinGen MHS ACMG Specifications V2. Collection method: curation. Allele origin: germline. Inheritance: Autosomal dominant inheritance.
Comment: This pathogenicity assessment is relevant only for malignant hyperthermia susceptibility (MHS) inherited in an autosomal dominant pattern. Variants in RYR1 can also cause other myopathies inherited in an autosomal dominant pattern or in an autosomal recessive pattern. Some of these disorders may predispose individuals to malignant hyperthermia. RYR1 variants may also contribute to a malignant hyperthermia reaction in combination with other genetic and non-genetic factors and the clinician needs to consider such factors in making management decisions. This sequence variant predicts a substitution of valine with methionine at codon 3218 of the RYR1 protein, p.(Val3218Met). The maximum allele frequency for this variant among the six major gnomAD populations is SAS: 0.00004, a frequency consistent with pathogenicity for MHS. This variant has been reported in an individual with a personal or family history of an MH episode and a positive in vitro contracture test (IVCT) or caffeine halothane contracture test (CHCT) result (if the proband was unavailable for testing, a positive diagnostic test result in a mutation-positive relative was counted), PS4_Supporting (PMID:30236257). No functional studies were identified for this variant. This variant does not reside in a hotspot for pathogenic variants that contribute to MHS. A REVEL score of 0.608 supports neither a pathogenic nor a benign status for this variant. This variant has been classified as a Variant of Unknown Significance. Criteria implemented: PS4_Supporting.

Labcorp Genetics (formerly Invitae), Labcorp
Classification: Uncertain significance for RYR1-related disorder. Last evaluated: 2025-12-22. Review status: criteria provided, single submitter. Criteria: Invitae Variant Classification Sherloc (09022015). Collection method: clinical testing. Allele origin: germline. Not counted in ClinVar's aggregate classification.
Comment: This sequence change replaces valine, which is neutral and non-polar, with methionine, which is neutral and non-polar, at codon 3218 of the RYR1 protein (p.Val3218Met). The frequency data for this variant in the population databases is considered unreliable, as metrics indicate poor data quality at this position in the gnomAD database. This missense change has been observed in individual(s) with clinical features of malignant hyperthermia (PMID: 30236257). ClinVar contains an entry for this variant (Variation ID: 1010267). Invitae Evidence Modeling of protein sequence and biophysical properties (such as structural, functional, and spatial information, amino acid conservation, physicochemical variation, residue mobility, and thermodynamic stability) indicates that this missense variant is not expected to disrupt RYR1 protein function with a negative predictive value of 80%. In summary, the available evidence is currently insufficient to determine the role of this variant in disease. Therefore, it has been classified as a Variant of Uncertain Significance.

Color Diagnostics, LLC DBA Color Health
Classification: Uncertain significance for Malignant hyperthermia, susceptibility to, 1. Last evaluated: 2023-11-29. Review status: criteria provided, single submitter. Criteria: ACMG Guidelines, 2015. Collection method: clinical testing. Allele origin: germline. Not counted in ClinVar's aggregate classification.
Comment: This missense variant replaces valine with methionine at codon 3218 of the RYR1 protein. Computational prediction is inconclusive regarding the impact of this variant on protein structure and function. To our knowledge, functional studies have not been reported for this variant. This variant has been reported in an individual affected with malignant hyperthermia susceptibility with a personal or family history of a malignant hyperthermia event and a positive in vitro contracture test (PMID: 30236257). This variant has not been identified in the general population by the Genome Aggregation Database (gnomAD). The available evidence is insufficient to determine the role of this variant in disease conclusively. Therefore, this variant is classified as a Variant of Uncertain Significance.

PreventionGenetics, part of Exact Sciences
Classification: Uncertain significance for RYR1-related condition. Last evaluated: 2024-01-04. Review status: no assertion criteria provided. Collection method: clinical testing. Allele origin: germline. Not counted in ClinVar's aggregate classification.
Comment: The RYR1 c.9652G>A variant is predicted to result in the amino acid substitution p.Val3218Met. This variant has been observed in one family from a cohort of  families studied for malignant hyperthermia, however no other specific information was provided (Table S1, Miller et al. 2018. PubMed ID: 30236257). This variant is reported in 0.0040% of alleles in individuals of South Asian descent in gnomAD. At this time, the clinical significance of this variant is uncertain due to the absence of conclusive functional and genetic evidence.

Literature cited by the submitters: PubMed 30236257 (cited by Labcorp Genetics (formerly Invitae), Labcorp and Color Diagnostics, LLC DBA Color Health).